The following is an entry in ClinVar:

ClinVar aggregate classification (germline): Uncertain significance (1 of 4 stars; one submission).

Submission:

GeneDx
Classification: Uncertain significance. Last evaluated: 2023-01-03. Review status: criteria provided, single submitter. Criteria: GeneDx Variant Classification Process June 2021. Collection method: clinical testing. Allele origin: germline. Affected: yes.
Comment: Not observed at significant frequency in large population cohorts (gnomAD); Missense variants in this gene are often considered pathogenic (HGMD); In silico analysis supports that this missense variant has a deleterious effect on protein structure/function; Has not been previously published as pathogenic or benign to our knowledge; This substitution is predicted to be within the transmembrane segment S5 of the fourth homologous domain

NM_001165963.4(SCN1A):c.5044T>C (p.Phe1682Leu)

Genes: SCN1A (sodium voltage-gated channel alpha subunit 1; minus strand), LOC102724058 (uncharacterized LOC102724058; plus strand). Cytogenetic location: 2q24.3.
Variant type: single nucleotide variant.
Coding change: c.5044T>C on transcript NM_001165963.4 (MANE Select); coding-DNA position 5044, T replaced by C.
Protein change: p.Phe1682Leu; replaces phenylalanine 1682 with leucine.
Molecular consequence: missense variant. On other transcripts: non-coding transcript variant (1).
Genome position (GRCh38, 1-based): chr2:165,992,231, A>G on the plus strand (T>C on the coding strand, the complement: SCN1A is on the minus strand). VCF-style: chr2-165992231-A-G. GRCh37 (hg19) VCF-style: chr2-166848741-A-G.
Other names: c.4960T>C, p.Phe1654Leu (NM_001165964.3, NM_001353957.2, NM_001353958.2); c.5044T>C, p.Phe1682Leu (NM_001202435.3, NM_001353948.2); c.5011T>C, p.Phe1671Leu (NM_001353949.2, NM_001353950.2, NM_001353951.2 and 2 more transcripts); c.5008T>C, p.Phe1670Leu (NM_001353954.2, NM_001353955.2); c.4957T>C, p.Phe1653Leu (NM_001353960.2); c.2602T>C, p.Phe868Leu (NM_001353961.2); short protein forms F1653L, F1654L, F1670L, F1671L, F1682L, F868L.
Identifiers: ClinVar variation 2507040 (VCV002507040.1), dbSNP rs2468338491, ClinGen allele CA349069525.